The following is an entry in ClinVar:

ClinVar aggregate classification (germline): Likely pathogenic (1 of 4 stars; one submission).

Conditions:
Cardiomyopathy (CMYO). Also called: Cardiomyopathies. Identifiers: Orphanet 167848, MedGen C0878544, MONDO:0004994, HP:0001638. Inheritance: Various modes of inheritance.

Submission:

Color Diagnostics, LLC DBA Color Health
Classification: Likely pathogenic for Cardiomyopathy. Last evaluated: 2023-10-10. Review status: criteria provided, single submitter. Criteria: ACMG Guidelines, 2015. Collection method: clinical testing. Allele origin: germline.
Comment: This variant causes a deletion of 4 nucleotides in exon 24 of the DSP gene, creating a frameshift and premature translation stop signal in the last exon. This variant is predicted to escape nonsense-mediated decay and be expressed as a truncated protein. Although functional studies have not been reported, this variant is expected to disrupt the plakin repeat domain C (a.a. 2609-2822). Plakin repeat domains and downstream C-terminal sequence have been reported to be essential for interaction with intermediate filaments (PMID: 12101406, 12802069, 21756917). In addition, truncating variants occurring downstream of this variant are known to be disease-causing (ClinVar variation ID: 246676, 263803, 518482). To our knowledge, this variant has not been reported in individuals affected with DSP-related disorders in the literature. This variant has not been identified in the general population by the Genome Aggregation Database (gnomAD). Loss of DSP function is a known mechanism of disease. Based on the available evidence, this variant is classified as Likely Pathogenic.

Literature cited by the submitters: PubMed 12101406; PubMed 12802069; PubMed 21756917.

NM_004415.4(DSP):c.8082_8085del (p.Ala2694_Phe2695insTer)

Gene: DSP (desmoplakin; plus strand). Cytogenetic location: 6p24.3.
Variant type: Deletion.
Coding change: c.8082_8085del on transcript NM_004415.4 (MANE Select); coding-DNA positions 8082 to 8085, 4 bases deleted (CTTC; older notation c.8082_8085delCTTC).
Protein change: p.Ala2694_Phe2695insTer.
Molecular consequence: frameshift variant.
Genome position (GRCh38, 1-based): chr6:7,585,344-7,585,347, CTTC deleted; deleting any 4 consecutive bases within chr6:7,585,343-7,585,347 gives the same sequence; the c. name uses the placement nearest the transcript's 3' end. VCF-style (leftmost placement, unchanged base first): chr6-7585342-GCCTT-G. GRCh37 (hg19) VCF-style: chr6-7585575-GCCTT-G.
Other names: c.6285_6288del, p.Ala2095_Phe2096insTer (NM_001008844.3); c.6753_6756del, p.Ala2251_Phe2252insTer (NM_001319034.2).
Identifiers: ClinVar variation 2775376 (VCV002775376.2), dbSNP rs2533949461, ClinGen allele CA2697546628.